The following is an entry in ClinVar:

NM_000260.4(MYO7A):c.3476G>T (p.Gly1159Val)

Gene: MYO7A (myosin VIIA; plus strand). Cytogenetic location: 11q13.5.
Variant type: single nucleotide variant.
Coding change: c.3476G>T on transcript NM_000260.4 (MANE Select); coding-DNA position 3476, G replaced by T.
Protein change: p.Gly1159Val; replaces glycine 1159 with valine.
Molecular consequence: missense variant.
Genome position (GRCh38, 1-based): chr11:77,184,688, G>T. VCF-style: chr11-77184688-G-T. GRCh37 (hg19) VCF-style: chr11-76895733-G-T.
Other names: NM_001127179.2:c.3476G>T; c.3476G>T, p.Gly1159Val (NM_001127180.2); c.3443G>T, p.Gly1148Val (NM_001369365.1); short protein forms G1159V, G1148V.
Identifiers: ClinVar variation 43206 (VCV000043206.69), dbSNP rs199897298, ClinGen allele CA132291.

ClinVar aggregate classification (germline): Pathogenic/Likely pathogenic. Review status: criteria provided, multiple submitters, no conflicts (2 of 4 stars). 20 submissions from 19 submitters: Pathogenic (12); Likely pathogenic (4). 4 of the submissions do not count toward it. Last evaluated 2026-09-09.

Conditions:
Hearing loss. Identifiers: MedGen C3887873.
Rare genetic deafness. Identifiers: Orphanet 96210, MedGen C5680250.
Monogenic hearing loss.
MYO7A-related disorder. Also called: MYO7A-related disorders.
Retinal dystrophy. Also called: Inherited retinal dystrophy. Identifiers: Orphanet 71862, MedGen C0854723, MeSH D058499, MONDO:0019118, HP:0000556.
Hereditary breast ovarian cancer syndrome. Also called: Hereditary breast and ovarian cancer syndrome; Hereditary breast and ovarian cancer; Hereditary breast and ovarian cancer syndrome (HBOC); Hereditary breast and/or ovarian cancer syndrome; Breast and ovarian cancer; BRCA1- and BRCA2-Associated Hereditary Breast and Ovarian Cancer. Identifiers: Orphanet 145, MedGen C0677776, MeSH D061325, MONDO:0003582. Disease mechanism: loss of function.
Usher syndrome type 1 (USH1). Also called: RETINITIS PIGMENTOSA AND CONGENITAL DEAFNESS. Identifiers: Orphanet 231169, Orphanet 886, MedGen C1568247, MONDO:0010168, OMIM 276900.
Autosomal dominant nonsyndromic hearing loss 11. Identifiers: Orphanet 90635, MedGen C1832475, MONDO:0011032, OMIM 601317.
Autosomal recessive nonsyndromic hearing loss 2. Also called: NEUROSENSORY NONSYNDROMIC RECESSIVE DEAFNESS 2; DEAFNESS, AUTOSOMAL RECESSIVE 2. Identifiers: Orphanet 90636, MedGen C1838701, MONDO:0010807, OMIM 600060.
Usher syndrome type 1B (USH1B). Also called: Usher syndrome type IB. Identifiers: MedGen C1848638, MONDO:0700087.

Allele frequency attached by ClinVar (database versions not stated): ExAC 0.00021; gnomAD 0.00021; gnomAD exomes 0.00022; TOPMed 0.00023.
gnomAD v4.1: 648 of 1,599,344 alleles (0.041%); highest among the groups gnomAD compares: Non-Finnish European, 0.054%; no homozygotes.

Submissions 1 to 10 of 20:

GeneDx
Classification: Pathogenic. Last evaluated: 2026-09-09. Review status: criteria provided, single submitter. Criteria: GeneDx Variant Classification Process June 2021. Collection method: clinical testing. Allele origin: germline.
Comment: In silico analysis supports that this missense variant has a deleterious effect on protein structure/function; This variant is associated with the following publications: (PMID: 26486028, 31589614, 26969326, 23208854, 27068579, 21436283, 30245029, 27160483, 32795431, 36515421, 35885997, 38219857, 37446072, 31152317, 28000701, 31964843, 39333430)

CeGaT Center for Human Genetics Tuebingen
Classification: Pathogenic. Last evaluated: 2026-06-01. Review status: criteria provided, single submitter. Criteria: CeGaT Center For Human Genetics Tuebingen Variant Classification Criteria Version 2. Collection method: clinical testing. Allele origin: germline. Affected: yes. Observed: 2 variant alleles.
Comment: MYO7A: PM3:Very Strong, PM2, PM5, PP3

PreventionGenetics, part of Exact Sciences
Classification: Pathogenic for MYO7A-related condition. Last evaluated: 2026-05-11. Review status: criteria provided, single submitter. Criteria: ACMG Guidelines, 2015. Collection method: clinical testing. Allele origin: germline.
Comment: The MYO7A c.3476G>T variant is predicted to result in the amino acid substitution p.Gly1159Val. This variant has been reported many times in the compound heterozygous state in individuals with Usher syndrome or unspecified retinal disease (see for examples: Roux et al. 2011. PubMed ID: 21436283; Schrauwen et al. 2012. PubMed ID: 23208854; Table S1, Lin et al. 2024. PubMed ID: 38219857). This variant is present in 0.051% of alleles in individuals of European (Non-Finnish) descent in gnomAD. This variant is interpreted as pathogenic.

Labcorp Genetics (formerly Invitae), Labcorp
Classification: Pathogenic. Last evaluated: 2026-01-20. Review status: criteria provided, single submitter. Criteria: Invitae Variant Classification Sherloc (09022015). Collection method: clinical testing. Allele origin: germline.
Comment: This sequence change replaces glycine, which is neutral and non-polar, with valine, which is neutral and non-polar, at codon 1159 of the MYO7A protein (p.Gly1159Val). This variant is present in population databases (rs199897298, gnomAD 0.05%). This missense change has been observed in individual(s) with autosomal recessive nonsyndromic deafness or Usher syndrome (PMID: 21436283, 23208854, 26969326, 27068579). In at least one individual the data is consistent with being in trans (on the opposite chromosome) from a pathogenic variant. This variant is also known as c.1019G>T (p.Gly340Val). ClinVar contains an entry for this variant (Variation ID: 43206). Invitae Evidence Modeling of protein sequence and biophysical properties (such as structural, functional, and spatial information, amino acid conservation, physicochemical variation, residue mobility, and thermodynamic stability) indicates that this missense variant is expected to disrupt MYO7A protein function with a positive predictive value of 95%. For these reasons, this variant has been classified as Pathogenic.

Natera, Inc.
Classification: Pathogenic for Usher syndrome type 1B. Last evaluated: 2025-11-26. Review status: criteria provided, single submitter. Criteria: Natera Variant Classification Schema (03/2026). Collection method: clinical testing. Allele origin: germline.
Comment: The c.3476G>T variant in MYO7A is a missense variant predicted to cause substitution of glycine to valine at amino acid 1159. This variant is rare in the general population with a frequency below the threshold expected for the associated phenotype(s). This variant has been observed in one or more individuals affected with the associated recessive disease, as either homozygous or compound heterozygous with a second variant (PMID: 21436283, 27160483, 31152317, 23208854). A different variant at the same position has been determined to be Pathogenic or Likely Pathogenic. Computational prediction algorithms indicate this variant is likely to affect gene or protein function. Given the available evidence, this variant is classified as Pathogenic.

Genetics Laboratory, Great Ormond Street Hospital NHS Foundation Trust, North Thames Genomic Laboratory Hub
Classification: Pathogenic for Monogenic hearing loss. Last evaluated: 2025-11-24. Review status: criteria provided, single submitter. Criteria: ACGS Best Practice Guidelines for Variant Classification in Rare Disease 2024 v1.2. Collection method: clinical testing. Allele origin: germline. Affected: yes.
Comment: PM2_supporting, PP3_supporting, PM3_very-strong

Women's Health and Genetics/Laboratory Corporation of America, LabCorp
Classification: Pathogenic for MYO7A-Related Disorders. Last evaluated: 2025-04-10. Review status: criteria provided, single submitter. Criteria: LabCorp Variant Classification Summary - May 2015. Collection method: clinical testing. Allele origin: germline.
Comment: Variant summary: MYO7A c.3476G>T (p.Gly1159Val) results in a non-conservative amino acid change located in the MyTH4 domain (IPR000857) of the encoded protein sequence. Five of five in-silico tools predict a damaging effect of the variant on protein function. The variant allele was found at a frequency of 0.00022 in 224146 control chromosomes. This frequency is not significantly higher than estimated for a pathogenic variant in MYO7A causing MYO7A-Related Disorders, allowing no conclusion about variant significance. c.3476G>T has been reported in the literature in the compound heterozygous state in multiple individuals affected with autosomal recessive non-syndromic hearing loss (e.g. Roux_2011, Schrauwen_2013, Sloan-Heggen_2016, Sommen_2016, Zazo-Seco_2017, van Beeck Calkoen_2019) and in compound heterozygous individuals with retinitis pigmentosa (Georgiou_2021, Lin_2024). These data indicate that the variant is very likely to be associated with disease. To our knowledge, no experimental evidence demonstrating an impact on protein function has been reported. The following publications have been ascertained in the context of this evaluation (PMID: 32795431, 21436283, 23208854, 26969326, 27068579, 28000701, 31152317). ClinVar contains an entry for this variant (Variation ID: 43206). Based on the evidence outlined above, the variant was classified as pathogenic.

Blueprint Genetics
Classification: Pathogenic for MYO7A-related disorders. Last evaluated: 2024-08-06. Review status: criteria provided, single submitter. Criteria: ACMG Guidelines, 2015. Collection method: clinical testing. Allele origin: germline. Affected: yes. Observed: 5 variant alleles.

Fulgent Genetics
Classification: Pathogenic for Usher syndrome type 1; Autosomal recessive nonsyndromic hearing loss 2; Autosomal dominant nonsyndromic hearing loss 11. Last evaluated: 2024-04-22. Review status: criteria provided, single submitter. Criteria: ACMG Guidelines, 2015. Collection method: clinical testing. Allele origin: germline.

Women's Health and Genetics/Laboratory Corporation of America, LabCorp
Classification: Likely pathogenic for Hereditary breast ovarian cancer syndrome. Last evaluated: 2024-03-01. Review status: criteria provided, single submitter. Criteria: LabCorp Variant Classification Summary - May 2015. Collection method: clinical testing. Allele origin: germline.
Comment: Variant summary: PALB2 c.3476G>T (p.Trp1159Leu) results in a non-conservative amino acid change located in the WD40 domain (IPR031920) of the encoded protein sequence. Four of five in-silico tools predict a damaging effect of the variant on protein function. The variant was absent in 251480 control chromosomes (gnomAD v2.1, Exomes dataset). The available data on variant occurrences in the general population are insufficient to allow any conclusion about variant significance. To our knowledge, no occurrence of c.3476G>T in individuals affected with Hereditary Breast And Ovarian Cancer Syndrome has been reported. At least one publication reports experimental evidence evaluating an impact on protein function and found no damaging effect of this variant on homologous recombination or in a PARP inhibitor sensitivity assay (e.g., Boonen_2019). The following publication was ascertained in the context of this evaluation (PMID: 31757951). Three clinical diagnostic laboratories have submitted clinical-significance assessments for this variant to ClinVar after 2014, and all laboratories classified the variant as uncertain significance. Based on the evidence outlined above, the variant was classified as uncertain significance.